The following is an entry in ClinVar:

ClinVar aggregate classification (germline): Uncertain significance (1 of 4 stars; one submission).

Submission:

Labcorp Genetics (formerly Invitae), Labcorp
Classification: Uncertain significance. Last evaluated: 2022-06-23. Review status: criteria provided, single submitter. Criteria: Invitae Variant Classification Sherloc (09022015). Collection method: clinical testing. Allele origin: germline.
Comment: In summary, the available evidence is currently insufficient to determine the role of this variant in disease. Therefore, it has been classified as a Variant of Uncertain Significance. Variants that disrupt the consensus splice site are a relatively common cause of aberrant splicing (PMID: 17576681, 9536098). Algorithms developed to predict the effect of sequence changes on RNA splicing suggest that this variant is not likely to affect RNA splicing. This variant has not been reported in the literature in individuals affected with HMCN1-related conditions. This variant is not present in population databases (gnomAD no frequency). This sequence change falls in intron 1 of the HMCN1 gene. It does not directly change the encoded amino acid sequence of the HMCN1 protein. It affects a nucleotide within the consensus splice site.

Literature cited by the submitters: PubMed 17576681; PubMed 9536098.

NM_031935.3(HMCN1):c.269-3C>T

Gene: HMCN1 (hemicentin 1; plus strand). Cytogenetic location: 1q31.1.
Variant type: single nucleotide variant.
Coding change: c.269-3C>T on transcript NM_031935.3 (MANE Select); 3 bases into the intron before coding-DNA position 269, C replaced by T.
Molecular consequence: intron variant.
Genome position (GRCh38, 1-based): chr1:185,846,023, C>T. VCF-style: chr1-185846023-C-T. GRCh37 (hg19) VCF-style: chr1-185815155-C-T.
Identifiers: ClinVar variation 1964860 (VCV001964860.5), dbSNP rs2526770546, ClinGen allele CA2580061658.